The following is an entry in ClinVar:

ClinVar aggregate classification (germline): Conflicting classifications of pathogenicity. Review status: criteria provided, conflicting classifications (1 of 4 stars). 2 submissions from 2 submitters: Uncertain significance (1); Likely benign (1). Last evaluated 2022-11-28.

Conditions:
Thrombophilia due to protein C deficiency, autosomal dominant. Also called: PROC DEFICIENCY, AUTOSOMAL DOMINANT; PROTEIN C DEFICIENCY, AUTOSOMAL DOMINANT. Identifiers: Orphanet 745, MedGen C2674321, MONDO:0008316, OMIM 176860. Disease mechanism: loss of function.

gnomAD v4.1: 92 of 1,613,994 alleles (0.0057%); highest among the groups gnomAD compares: Non-Finnish European, 0.0069%; no homozygotes.

Submissions (2):

Blueprint Genetics
Classification: Likely benign. Last evaluated: 2022-11-28. Review status: criteria provided, single submitter. Criteria: ACMG Guidelines, 2015. Collection method: clinical testing. Allele origin: germline.

Pittsburgh Clinical Genomics Laboratory, University of Pittsburgh Medical Center
Classification: Uncertain significance for Thrombophilia due to protein C deficiency, autosomal dominant. Last evaluated: 2022-09-13. Review status: criteria provided, single submitter. Criteria: ACMG Guidelines, 2015. Collection method: clinical testing. Allele origin: germline. Inheritance: Autosomal dominant inheritance. Affected: yes.
Comment: This sequence variant is a single nucleotide substitution (G>A) at coding nucleotide 859 of the PROC gene that results in a valine to isoleucine amino acid change at residue 287 of the PROC protein. The Val287 residue falls in the catalytic domain which plays a critical role in PROC's anticoagulation function (PMID: 32309994). This variant is absent from an online database of clinically annotated variants (ClinVar) but has been reported in individuals with venous thromboembolism in the literature (PMID: 32309994). This variant is present in 12 of 282,718 alleles (0.004%) in the gnomAD control population database. Multiple bioinformatic tools predict that this valine to isoleucine amino acid change would be tolerated, and the Val287 residue is poorly conserved across the vertebrate species examined. The variant amino acid, isoleucine, is present in many mammals, including four primates at the homologous position in these species. Studies examining the functiol consequence of this variant have not been published, to our knowledge. At this time, there is insufficient evidence to determine if this variant is pathogenic or benign. Therefore, we consider this a variant of uncertain significance. ACMG Criteria: BP4, BP5, PM1, PM2, PP1, PP2

Literature cited by the submitters: PubMed 32309994 (cited by Pittsburgh Clinical Genomics Laboratory, University of Pittsburgh Medical Center).

NM_000312.4(PROC):c.859G>A (p.Val287Ile)

Gene: PROC (protein C, inactivator of coagulation factors Va and VIIIa; plus strand). Cytogenetic location: 2q14.3.
Variant type: single nucleotide variant.
Coding change: c.859G>A on transcript NM_000312.4 (MANE Select); coding-DNA position 859, G replaced by A.
Protein change: p.Val287Ile; replaces valine 287 with isoleucine.
Molecular consequence: missense variant.
Genome position (GRCh38, 1-based): chr2:127,428,419, G>A. VCF-style: chr2-127428419-G-A. GRCh37 (hg19) VCF-style: chr2-128185995-G-A.
Other names: c.1042G>A, p.Val348Ile (NM_001375602.1); c.1024G>A, p.Val342Ile (NM_001375603.1); c.922G>A, p.Val308Ile (NM_001375604.1); c.961G>A, p.Val321Ile (NM_001375605.1); c.1027G>A, p.Val343Ile (NM_001375606.1); c.1045G>A, p.Val349Ile (NM_001375607.1); c.802G>A, p.Val268Ile (NM_001375608.1); c.835G>A, p.Val279Ile (NM_001375609.1); and 2 more; short protein forms V268I, V279I, V285I, V287I, V308I, V321I, V342I, V343I.
Identifiers: ClinVar variation 3376287 (VCV003376287.2).